The following is an entry in ClinVar:

ClinVar aggregate classification (germline): Uncertain significance. Review status: criteria provided, multiple submitters, no conflicts (2 of 4 stars). 2 submissions from 2 submitters: Uncertain significance (2). Last evaluated 2022-08-08.

Conditions:
Inborn genetic diseases. Identifiers: MedGen C0950123, MeSH D030342.
Megaconial type congenital muscular dystrophy (MDCMC). Also called: CHKB-Related Muscular Dystrophy; MUSCULAR DYSTROPHY, CONGENITAL, WITH MITOCHONDRIAL STRUCTURAL ABNORMALITIES; CHKB-Related Muscle Diseases. Identifiers: Orphanet 280671, MedGen C1865233, MONDO:0011246, OMIM 602541.

Allele frequency attached by ClinVar (database versions not stated): ExAC 0.00002; ESP Exome Variant Server 0.00015.
gnomAD v4.1: 7 of 1,610,172 alleles (0.00043%); highest among the groups gnomAD compares: African/African-American, 0.0094%; no homozygotes.

Submissions (2):

Ambry Genetics
Classification: Uncertain significance for Inborn genetic diseases. Last evaluated: 2022-08-08. Review status: criteria provided, single submitter. Criteria: Ambry Variant Classification Scheme 2023. Collection method: clinical testing. Allele origin: germline.

Labcorp Genetics (formerly Invitae), Labcorp
Classification: Uncertain significance for Megaconial type congenital muscular dystrophy. Last evaluated: 2021-08-24. Review status: criteria provided, single submitter. Criteria: Invitae Variant Classification Sherloc (09022015). Collection method: clinical testing. Allele origin: germline.
Comment: This sequence change replaces proline with threonine at codon 66 of the CHKB protein (p.Pro66Thr). The proline residue is moderately conserved and there is a small physicochemical difference between proline and threonine. This variant is present in population databases (rs141533752, ExAC 0.03%). This variant has not been reported in the literature in individuals affected with CHKB-related conditions. Algorithms developed to predict the effect of missense changes on protein structure and function (SIFT, PolyPhen-2, Align-GVGD) all suggest that this variant is likely to be tolerated. In summary, the available evidence is currently insufficient to determine the role of this variant in disease. Therefore, it has been classified as a Variant of Uncertain Significance.

NM_005198.5(CHKB):c.196C>A (p.Pro66Thr)

Genes: CHKB (choline kinase beta; minus strand), CHKB-CPT1B (CHKB-CPT1B readthrough (NMD candidate); minus strand). Cytogenetic location: 22q13.33.
Variant type: single nucleotide variant.
Coding change: c.196C>A on transcript NM_005198.5 (MANE Select); coding-DNA position 196, C replaced by A.
Protein change: p.Pro66Thr; replaces proline 66 with threonine.
Molecular consequence: missense variant. On other transcripts: non-coding transcript variant (1).
Genome position (GRCh38, 1-based): chr22:50,582,586, G>T on the plus strand (C>A on the coding strand, the complement: CHKB is on the minus strand). VCF-style: chr22-50582586-G-T. GRCh37 (hg19) VCF-style: chr22-51021015-G-T.
Other names: c.196C>A (NM_005198.4); short protein forms P66T.
Identifiers: ClinVar variation 1496086 (VCV001496086.6), dbSNP rs141533752, ClinGen allele CA10323889.
Genomic context (GRCh38, chr22:50,582,586, plus strand): 5'-CGCACCGGAGAGGCTGACCCCTGACCTCCCACCTCACGGGGTAAACCCTCAGCTCCTCGG[G>T]CTGCACTCGGCGCCAGGCCCCGCCCAAGTACTCCCGGCACCATTGGTAGGCTCGGCGCTC-3'
Protein context (NP_005189.2, residues 56-76): YLGGAWRRVQ[Pro66Thr]EELRVYPVSG